The following is an entry in ClinVar:

ClinVar aggregate classification (germline): Uncertain significance. Review status: criteria provided, multiple submitters, no conflicts (2 of 4 stars). 2 submissions from 2 submitters: Uncertain significance (2). Last evaluated 2025-05-08.

Conditions:
Megalencephaly-polymicrogyria-postaxial polydactyly-hydrocephalus syndrome. Also called: MEG-PMG-MEGACC SYNDROME; MPPH Syndrome. Identifiers: Orphanet 83473, MedGen C1863924, MONDO:0019375.
Inborn genetic diseases. Identifiers: MedGen C0950123, MeSH D030342.

Allele frequency attached by ClinVar (database versions not stated): gnomAD 0.00001; gnomAD exomes 0.00001; TOPMed 0.00002.
gnomAD v4.1: 20 of 1,613,186 alleles (0.0012%); highest among the groups gnomAD compares: Non-Finnish European, 0.0017%; no homozygotes.

Submissions (2):

Labcorp Genetics (formerly Invitae), Labcorp
Classification: Uncertain significance for Megalencephaly-polymicrogyria-postaxial polydactyly-hydrocephalus syndrome. Last evaluated: 2025-05-08. Review status: criteria provided, single submitter. Criteria: Invitae Variant Classification Sherloc (09022015). Collection method: clinical testing. Allele origin: germline.
Comment: This sequence change replaces threonine, which is neutral and polar, with alanine, which is neutral and non-polar, at codon 394 of the PIK3R2 protein (p.Thr394Ala). This variant is present in population databases (no rsID available, gnomAD 0.007%). This variant has not been reported in the literature in individuals affected with PIK3R2-related conditions. ClinVar contains an entry for this variant (Variation ID: 2479738). Invitae Evidence Modeling of protein sequence and biophysical properties (such as structural, functional, and spatial information, amino acid conservation, physicochemical variation, residue mobility, and thermodynamic stability) indicates that this missense variant is not expected to disrupt PIK3R2 protein function with a negative predictive value of 80%. In summary, the available evidence is currently insufficient to determine the role of this variant in disease. Therefore, it has been classified as a Variant of Uncertain Significance.

Ambry Genetics
Classification: Uncertain significance for Inborn genetic diseases. Last evaluated: 2025-04-17. Review status: criteria provided, single submitter. Criteria: Ambry Variant Classification Scheme 2023. Collection method: clinical testing. Allele origin: germline.

NM_005027.4(PIK3R2):c.1180A>G (p.Thr394Ala)

Gene: PIK3R2 (phosphoinositide-3-kinase regulatory subunit 2; plus strand). Cytogenetic location: 19p13.11.
Variant type: single nucleotide variant.
Coding change: c.1180A>G on transcript NM_005027.4 (MANE Select); coding-DNA position 1180, A replaced by G.
Protein change: p.Thr394Ala; replaces threonine 394 with alanine.
Molecular consequence: missense variant. On other transcripts: non-coding transcript variant (2).
Genome position (GRCh38, 1-based): chr19:18,163,037, A>G. VCF-style: chr19-18163037-A-G. GRCh37 (hg19) VCF-style: chr19-18273847-A-G.
Other names: short protein forms T394A.
Identifiers: ClinVar variation 2479738 (VCV002479738.4), dbSNP rs971051020, ClinGen allele CA306171974.